The following is an entry in ClinVar:

ClinVar aggregate classification (germline): Uncertain significance. Review status: criteria provided, multiple submitters, no conflicts (2 of 4 stars). 2 submissions from 2 submitters: Uncertain significance (2). Last evaluated 2025-08-13.

Conditions:
Combined immunodeficiency due to OX40 deficiency. Also called: Immunodeficiency 16; OX40 DEFICIENCY. Identifiers: Orphanet 431149, MedGen C3810053, MONDO:0014268, OMIM 615593.

gnomAD v4.1: 3 of 1,551,192 alleles (0.00019%); highest among the groups gnomAD compares: Non-Finnish European, 0.00026%; no homozygotes.

Submissions (2):

Ambry Genetics
Classification: Uncertain significance. Last evaluated: 2025-08-13. Review status: criteria provided, single submitter. Criteria: Ambry Variant Classification Scheme 2023. Collection method: clinical testing. Allele origin: germline.

Labcorp Genetics (formerly Invitae), Labcorp
Classification: Uncertain significance for Combined immunodeficiency due to OX40 deficiency. Last evaluated: 2025-01-30. Review status: criteria provided, single submitter. Criteria: Invitae Variant Classification Sherloc (09022015). Collection method: clinical testing. Allele origin: germline.
Comment: This sequence change replaces alanine, which is neutral and non-polar, with valine, which is neutral and non-polar, at codon 217 of the TNFRSF4 protein (p.Ala217Val). The frequency data for this variant in the population databases is considered unreliable, as metrics indicate poor data quality at this position in the gnomAD database. This variant has not been reported in the literature in individuals affected with TNFRSF4-related conditions. Invitae Evidence Modeling of protein sequence and biophysical properties (such as structural, functional, and spatial information, amino acid conservation, physicochemical variation, residue mobility, and thermodynamic stability) indicates that this missense variant is not expected to disrupt TNFRSF4 protein function with a negative predictive value of 80%. In summary, the available evidence is currently insufficient to determine the role of this variant in disease. Therefore, it has been classified as a Variant of Uncertain Significance.

NM_003327.4(TNFRSF4):c.650C>T (p.Ala217Val)

Gene: TNFRSF4 (TNF receptor superfamily member 4; minus strand). Cytogenetic location: 1p36.33.
Variant type: single nucleotide variant.
Coding change: c.650C>T on transcript NM_003327.4 (MANE Select); coding-DNA position 650, C replaced by T.
Protein change: p.Ala217Val; replaces alanine 217 with valine.
Molecular consequence: missense variant.
Genome position (GRCh38, 1-based): chr1:1,211,817, G>A on the plus strand (C>T on the coding strand, the complement: TNFRSF4 is on the minus strand). VCF-style: chr1-1211817-G-A. GRCh37 (hg19) VCF-style: chr1-1147197-G-A.
Other names: c.650C>T (NM_003327.3); c.650C>T, p.Ala217Val (NM_001410709.1); short protein forms A217V.
Identifiers: ClinVar variation 3666808 (VCV003666808.3).
Genomic context (GRCh38, chr1:1,211,817, plus strand): 5'-AGGGCCAGCAGGATGGCCAGGGGGCCCAGCAGCCCCAGCACCAGGCCCAGGCCCAGGATG[G>A]CGGCAACCGCACGGCCTGCAGGAAGGGGTCTGCTGGGTGGGGTCCACAGGAGGGGCCCCC-3'
Protein context (NP_003318.1, residues 207-227): VEVPGGRAVA[Ala217Val]ILGLGLVLGL